The following is an entry in ClinVar:

NM_032575.3(GLIS2):c.512G>A (p.Arg171His)

Gene: GLIS2 (GLIS family zinc finger 2; plus strand). Cytogenetic location: 16p13.3.
Variant type: single nucleotide variant.
Coding change: c.512G>A on transcript NM_032575.3 (MANE Select); coding-DNA position 512, G replaced by A.
Protein change: p.Arg171His; replaces arginine 171 with histidine.
Molecular consequence: missense variant.
Genome position (GRCh38, 1-based): chr16:4,334,967, G>A. VCF-style: chr16-4334967-G-A. GRCh37 (hg19) VCF-style: chr16-4384968-G-A.
Other names: c.512G>A, p.Arg171His (NM_001318918.2); short protein forms R171H.
Identifiers: ClinVar variation 2007065 (VCV002007065.4), dbSNP rs759084039, ClinGen allele CA7873015.

ClinVar aggregate classification (germline): Uncertain significance (1 of 4 stars; one submission).

Conditions:
Nephronophthisis. Also called: Juvenile Nephronophthisis. Identifiers: Orphanet 655, MedGen C0687120, MONDO:0019005, HP:0000090.

Allele frequency attached by ClinVar (database versions not stated): ExAC 0.00001; gnomAD 0.00001; gnomAD exomes 0.00001.
gnomAD v4.1: 10 of 1,613,064 alleles (0.00062%); highest among the groups gnomAD compares: African/African-American, 0.0013%; no homozygotes.

Submission:

Labcorp Genetics (formerly Invitae), Labcorp
Classification: Uncertain significance for Nephronophthisis. Last evaluated: 2022-06-15. Review status: criteria provided, single submitter. Criteria: Invitae Variant Classification Sherloc (09022015). Collection method: clinical testing. Allele origin: germline.
Comment: This sequence change replaces arginine, which is basic and polar, with histidine, which is basic and polar, at codon 171 of the GLIS2 protein (p.Arg171His). This variant is present in population databases (rs759084039, gnomAD 0.0009%). This variant has not been reported in the literature in individuals affected with GLIS2-related conditions. Algorithms developed to predict the effect of missense changes on protein structure and function are either unavailable or do not agree on the potential impact of this missense change (SIFT: "Deleterious"; PolyPhen-2: "Benign"; Align-GVGD: "Class C0"). In summary, the available evidence is currently insufficient to determine the role of this variant in disease. Therefore, it has been classified as a Variant of Uncertain Significance.